The following is an entry in ClinVar:

ClinVar aggregate classification (germline): Uncertain significance. Review status: criteria provided, multiple submitters, no conflicts (2 of 4 stars). 3 submissions from 3 submitters: Uncertain significance (3). Last evaluated 2026-02-09.

Conditions:
Inborn genetic diseases. Identifiers: MedGen C0950123, MeSH D030342.
Deafness-lymphedema-leukemia syndrome. Also called: Lymphedema, primary, with myelodysplasia; Emberger syndrome. Identifiers: Orphanet 3226, MedGen C3279664, MONDO:0013540, OMIM 614038.
Monocytopenia with susceptibility to infections. Also called: GATA2 DEFICIENCY; COMBINED IMMUNODEFICIENCY WITH SUSCEPTIBILITY TO MYCOBACTERIAL, VIRAL, AND FUNGAL INFECTIONS; Dendritic cell, monocyte, B lymphocyte, and natural killer lymphocyte deficiency; MONOCYTOPENIA AND MYCOBACTERIAL INFECTION SYNDROME; MONOCYTOPENIA WITH SUSCEPTIBILITY TO MYCOBACTERIAL, FUNGAL, AND PAPILLOMAVIRUS INFECTIONS AND MYELODYSPLASIA; IMMUNODEFICIENCY 21. Identifiers: Orphanet 228423, MedGen C3280030, MONDO:0013607, OMIM 614172.

Allele frequency attached by ClinVar (database versions not stated): gnomAD exomes below 0.00001; ExAC 0.00001.
gnomAD v4.1: 1 of 1,614,146 alleles (0.000062%); highest among the groups gnomAD compares: Admixed American, 0.0017%; no homozygotes.

Submissions (3):

Ambry Genetics
Classification: Uncertain significance for Inborn genetic diseases. Last evaluated: 2026-02-09. Review status: criteria provided, single submitter. Criteria: Ambry Variant Classification Scheme 2023. Collection method: clinical testing. Allele origin: germline.
Comment: The p.L233V variant (also known as c.697C>G), located in coding exon 2 of the GATA2 gene, results from a C to G substitution at nucleotide position 697. The leucine at codon 233 is replaced by valine, an amino acid with highly similar properties. This amino acid position is highly conserved in available vertebrate species. In addition, the in silico prediction for this alteration is inconclusive. Based on the available evidence, the clinical significance of this variant remains unclear.

Labcorp Genetics (formerly Invitae), Labcorp
Classification: Uncertain significance for Monocytopenia with susceptibility to infections; Deafness-lymphedema-leukemia syndrome. Last evaluated: 2022-05-25. Review status: criteria provided, single submitter. Criteria: Invitae Variant Classification Sherloc (09022015). Collection method: clinical testing. Allele origin: germline.
Comment: This variant has not been reported in the literature in individuals affected with GATA2-related conditions. This variant is present in population databases (rs745497331, gnomAD 0.003%). This sequence change replaces leucine, which is neutral and non-polar, with valine, which is neutral and non-polar, at codon 233 of the GATA2 protein (p.Leu233Val). ClinVar contains an entry for this variant (Variation ID: 1314999). In summary, the available evidence is currently insufficient to determine the role of this variant in disease. Therefore, it has been classified as a Variant of Uncertain Significance. Advanced modeling of protein sequence and biophysical properties (such as structural, functional, and spatial information, amino acid conservation, physicochemical variation, residue mobility, and thermodynamic stability) performed at Invitae indicates that this missense variant is not expected to disrupt GATA2 protein function.

GeneDx
Classification: Uncertain significance. Last evaluated: 2019-11-25. Review status: criteria provided, single submitter. Criteria: GeneDx Variant Classification Process June 2021. Collection method: clinical testing. Allele origin: germline. Affected: yes.
Comment: Not observed at a significant frequency in large population cohorts (Lek 2016); In silico analysis, which includes protein predictors and evolutionary conservation, supports that this variant does not alter protein structure/function; Has not been previously published as pathogenic or benign to our knowledge

NM_032638.5(GATA2):c.697C>G (p.Leu233Val)

Gene: GATA2 (GATA binding protein 2; minus strand). Cytogenetic location: 3q21.3.
Variant type: single nucleotide variant.
Coding change: c.697C>G on transcript NM_032638.5 (MANE Select); coding-DNA position 697, C replaced by G.
Protein change: p.Leu233Val; replaces leucine 233 with valine.
Molecular consequence: missense variant.
Genome position (GRCh38, 1-based): chr3:128,485,901, G>C on the plus strand (C>G on the coding strand, the complement: GATA2 is on the minus strand). VCF-style: chr3-128485901-G-C. GRCh37 (hg19) VCF-style: chr3-128204744-G-C.
Other names: c.697C>G, p.Leu233Val (NM_001145661.2, NM_001145662.1); short protein forms L233V.
Identifiers: ClinVar variation 1314999 (VCV001314999.7), dbSNP rs745497331, ClinGen allele CA2599976.